The following is an entry in ClinVar:

NM_001048174.2(MUTYH):c.1442A>T (p.Lys481Ile)

Gene: MUTYH (mutY DNA glycosylase; minus strand). Cytogenetic location: 1p34.1.
Variant type: single nucleotide variant.
Coding change: c.1442A>T on transcript NM_001048174.2 (MANE Select); coding-DNA position 1442, A replaced by T.
Protein change: p.Lys481Ile; replaces lysine 481 with isoleucine.
Molecular consequence: missense variant. On other transcripts: non-coding transcript variant (7).
Genome position (GRCh38, 1-based): chr1:45,329,430, T>A on the plus strand (A>T on the coding strand, the complement: MUTYH is on the minus strand). VCF-style: chr1-45329430-T-A. GRCh37 (hg19) VCF-style: chr1-45795102-T-A.
Other names: c.1442A>T, p.Lys481Ile (NM_001048171.2, NM_001048173.2, NM_001293195.2 and 6 more transcripts); c.1445A>T, p.Lys482Ile (NM_001048172.2, NM_001407071.1, NM_001407078.1 and 1 more transcripts); c.1526A>T, p.Lys509Ile (NM_001128425.2); c.1487A>T, p.Lys496Ile (NM_001293190.2); c.1475A>T, p.Lys492Ile (NM_001293191.2, NM_001407069.1, NM_001407077.1); c.1166A>T, p.Lys389Ile (NM_001293192.2, NM_001293196.2, NM_001407091.1); c.1097A>T, p.Lys366Ile (NM_001350650.2, NM_001350651.2, NM_001407082.1); c.1358A>T, p.Lys453Ile (NM_001407075.1); and 5 more; short protein forms K389I, K482I, K492I, K496I, K509I, K366I, K453I, K481I.
Identifiers: ClinVar variation 4113327 (VCV004113327.1).

ClinVar aggregate classification (germline): Uncertain significance (1 of 4 stars; one submission).

Conditions:
Hereditary cancer-predisposing syndrome. Also called: Tumor predisposition; Neoplastic Syndromes, Hereditary; Hereditary neoplastic syndrome; Hereditary Cancer Syndrome. Identifiers: Orphanet 140162, MedGen C0027672, MeSH D009386, MONDO:0015356.

Submission:

Ambry Genetics
Classification: Uncertain significance for Hereditary cancer-predisposing syndrome. Last evaluated: 2025-08-27. Review status: criteria provided, single submitter. Criteria: Ambry Variant Classification Scheme 2023. Collection method: clinical testing. Allele origin: germline.
Comment: The p.K509I variant (also known as c.1526A>T), located in coding exon 16 of the MUTYH gene, results from an A to T substitution at nucleotide position 1526. The lysine at codon 509 is replaced by isoleucine, an amino acid with dissimilar properties. This amino acid position is conserved. In addition, the in silico prediction for this alteration is inconclusive. Based on the available evidence, the clinical significance of this variant remains unclear.